The following is an entry in ClinVar:

NM_000552.5(VWF):c.975C>T (p.Cys325=)

Gene: VWF (von Willebrand factor; minus strand). Cytogenetic location: 12p13.31.
Variant type: single nucleotide variant.
Coding change: c.975C>T on transcript NM_000552.5 (MANE Select); coding-DNA position 975, C replaced by T.
Protein change: p.Cys325=; no amino-acid change (cysteine 325 retained).
Molecular consequence: synonymous variant.
Genome position (GRCh38, 1-based): chr12:6,073,641, G>A on the plus strand (C>T on the coding strand, the complement: VWF is on the minus strand). VCF-style: chr12-6073641-G-A. GRCh37 (hg19) VCF-style: chr12-6182807-G-A.
Identifiers: ClinVar variation 3058307 (VCV003058307.2), dbSNP rs199928277, ClinGen allele CA6403612.

ClinVar aggregate classification (germline): Likely benign (0 of 4 stars; one submission).

Conditions:
VWF-related disorder. Also called: VWF-related disorders; VWF-related condition.

Allele frequency attached by ClinVar (database versions not stated): TOPMed 0.00005; gnomAD 0.00008; ExAC 0.00011; gnomAD exomes 0.00016.
gnomAD v4.1: 245 of 1,613,952 alleles (0.015%); highest among the groups gnomAD compares: Middle Eastern, 0.033%; no homozygotes.

Submission:

PreventionGenetics, part of Exact Sciences
Classification: Likely benign for VWF-related condition. Last evaluated: 2019-03-29. Review status: no assertion criteria provided. Collection method: clinical testing. Allele origin: germline.
Comment: This variant is classified as likely benign based on ACMG/AMP sequence variant interpretation guidelines (Richards et al. 2015 PMID: 25741868, with internal and published modifications).